The following is an entry in ClinVar:

ClinVar aggregate classification (germline): Uncertain significance (1 of 4 stars; one submission).

Submission:

GeneDx
Classification: Uncertain significance. Last evaluated: 2024-10-08. Review status: criteria provided, single submitter. Criteria: GeneDx Variant Classification Process June 2021. Collection method: clinical testing. Allele origin: germline. Affected: yes.
Comment: Published functional studies suggest that while protein levels are decreased, the T390I variant has transcriptional repression activity similar to wild type (PMID: 28735298); Not observed at significant frequency in large population cohorts (gnomAD); In silico analysis supports that this missense variant has a deleterious effect on protein structure/function; This variant is associated with the following publications: (PMID: 28735298, 31199603)

NM_001349338.3(FOXP1):c.1169C>T (p.Thr390Ile)

Gene: FOXP1 (forkhead box P1; minus strand). Cytogenetic location: 3p13.
Variant type: single nucleotide variant.
Coding change: c.1169C>T on transcript NM_001349338.3 (MANE Select); coding-DNA position 1169, C replaced by T.
Protein change: p.Thr390Ile; replaces threonine 390 with isoleucine.
Molecular consequence: missense variant. On other transcripts: non-coding transcript variant (2).
Genome position (GRCh38, 1-based): chr3:70,978,007, G>A on the plus strand (C>T on the coding strand, the complement: FOXP1 is on the minus strand). VCF-style: chr3-70978007-G-A. GRCh37 (hg19) VCF-style: chr3-71027158-G-A.
Other names: c.1169C>T, p.Thr390Ile (NM_001244808.3, NM_001244810.2, NM_001244814.3 and 3 more transcripts); c.941C>T, p.Thr314Ile (NM_001244812.3); c.869C>T, p.Thr290Ile (NM_001244813.3, NM_001244815.2, NM_001349342.3 and 1 more transcripts); c.866C>T, p.Thr289Ile (NM_001349337.2, NM_001349343.3, NM_001349344.3); c.1166C>T, p.Thr389Ile (NM_001349341.3); short protein forms T289I, T290I, T314I, T389I, T390I.
Identifiers: ClinVar variation 3777311 (VCV003777311.1).